The following is an entry in ClinVar:

ClinVar aggregate classification (germline): Uncertain significance (1 of 4 stars; one submission).

Allele frequency attached by ClinVar (database versions not stated): ExAC 0.00001; gnomAD exomes 0.00001.
gnomAD v4.1: 11 of 1,612,702 alleles (0.00068%); highest among the groups gnomAD compares: Admixed American, 0.005%; no homozygotes.

Submission:

Labcorp Genetics (formerly Invitae), Labcorp
Classification: Uncertain significance. Last evaluated: 2025-07-03. Review status: criteria provided, single submitter. Criteria: Invitae Variant Classification Sherloc (09022015). Collection method: clinical testing. Allele origin: germline.
Comment: This sequence change replaces methionine, which is neutral and non-polar, with isoleucine, which is neutral and non-polar, at codon 471 of the ANKRD26 protein (p.Met471Ile). This variant is present in population databases (rs775892872, gnomAD 0.006%). This variant has not been reported in the literature in individuals affected with ANKRD26-related conditions. ClinVar contains an entry for this variant (Variation ID: 2886804). An algorithm developed to predict the effect of missense changes on protein structure and function (PolyPhen-2) suggests that this variant is likely to be tolerated. Algorithms developed to predict the effect of sequence changes on RNA splicing suggest that this variant may disrupt the consensus splice site. In summary, the available evidence is currently insufficient to determine the role of this variant in disease. Therefore, it has been classified as a Variant of Uncertain Significance.

NM_014915.3(ANKRD26):c.1413G>A (p.Met471Ile)

Gene: ANKRD26 (ankyrin repeat domain 26; minus strand). Cytogenetic location: 10p12.1.
Variant type: single nucleotide variant.
Coding change: c.1413G>A on transcript NM_014915.3 (MANE Select); coding-DNA position 1413, G replaced by A.
Protein change: p.Met471Ile; replaces methionine 471 with isoleucine.
Molecular consequence: missense variant.
Genome position (GRCh38, 1-based): chr10:27,061,193, C>T on the plus strand (G>A on the coding strand, the complement: ANKRD26 is on the minus strand). VCF-style: chr10-27061193-C-T. GRCh37 (hg19) VCF-style: chr10-27350122-C-T.
Other names: c.1413G>A, p.Met471Ile (NM_001256053.2); short protein forms M471I.
Identifiers: ClinVar variation 2886804 (VCV002886804.3), dbSNP rs775892872, ClinGen allele CA5448562.